The following is an entry in ClinVar:

ClinVar aggregate classification (germline): Uncertain significance (1 of 4 stars; one submission).

Conditions:
Hereditary cancer-predisposing syndrome. Also called: Neoplastic Syndromes, Hereditary; Tumor predisposition; Hereditary Cancer Syndrome; Hereditary neoplastic syndrome. Identifiers: Orphanet 140162, MedGen C0027672, MeSH D009386, MONDO:0015356.

Submission:

Labcorp Genetics (formerly Invitae), Labcorp
Classification: Uncertain significance for Hereditary cancer-predisposing syndrome. Last evaluated: 2024-04-10. Review status: criteria provided, single submitter. Criteria: Invitae Variant Classification Sherloc (09022015). Collection method: clinical testing. Allele origin: germline.
Comment: This sequence change replaces threonine, which is neutral and polar, with alanine, which is neutral and non-polar, at codon 1235 of the RAD50 protein (p.Thr1235Ala). This variant is not present in population databases (gnomAD no frequency). This variant has not been reported in the literature in individuals affected with RAD50-related conditions. ClinVar contains an entry for this variant (Variation ID: 640186). Advanced modeling of protein sequence and biophysical properties (such as structural, functional, and spatial information, amino acid conservation, physicochemical variation, residue mobility, and thermodynamic stability) performed at Invitae indicates that this missense variant is expected to disrupt RAD50 protein function with a positive predictive value of 80%. In summary, the available evidence is currently insufficient to determine the role of this variant in disease. Therefore, it has been classified as a Variant of Uncertain Significance.

NM_005732.4(RAD50):c.3703A>G (p.Thr1235Ala)

Genes: RAD50 (RAD50 double strand break repair protein; plus strand), TH2-LCR (Th2 cytokine locus control region; plus strand), TH2LCRR (T helper type 2 locus control region associated RNA; minus strand). Cytogenetic location: 5q31.1.
Variant type: single nucleotide variant.
Coding change: c.3703A>G on transcript NM_005732.4 (MANE Select); coding-DNA position 3703, A replaced by G.
Protein change: p.Thr1235Ala; replaces threonine 1235 with alanine.
Molecular consequence: missense variant.
Genome position (GRCh38, 1-based): chr5:132,640,756, A>G. VCF-style: chr5-132640756-A-G. GRCh37 (hg19) VCF-style: chr5-131976448-A-G.
Other names: short protein forms T1235A.
Identifiers: ClinVar variation 640186 (VCV000640186.9), dbSNP rs1581023781, ClinGen allele CA360934540.